The following is an entry in ClinVar:

ClinVar aggregate classification (germline): Pathogenic. Review status: criteria provided, single submitter (1 of 4 stars). 2 submissions from 2 submitters: Pathogenic (1). 1 of the submissions does not count toward it. Last evaluated 2025-12-02.

Conditions:
Cone-rod dystrophy with or without extraocular features.
RETINITIS PIGMENTOSA 108 (RP108). Identifiers: MedGen CN382137, OMIM 621637.

Submissions (2):

Ophthalmic Genetics Group, Institute of Molecular and Clinical Ophthalmology Basel
Classification: Pathogenic for Cone-rod dystrophy with or without extraocular features. Last evaluated: 2025-12-02. Review status: criteria provided, single submitter. Criteria: ACMG Guidelines, 2015. Collection method: research. Allele origin: germline. Affected: yes. Observed: 2 variant alleles.
Comment: This startloss variant results in loss of protein transcript and is absent from gnomAD v4.1 database. It was identified in two affected individuals with cone-rod dystrophy, with T2DM, in compound heterozygous state with another SAXO6 frameshift deletion variant. Therefore, it was classified as Pathogenic based on ACMG criteria: PVS1, PM2_sup, PP1_mod.

OMIM
Classification: Pathogenic for RETINITIS PIGMENTOSA 108. Last evaluated: 2026-06-29. Review status: no assertion criteria provided. Collection method: literature only. Allele origin: germline. Not counted in ClinVar's aggregate classification.

Literature cited by the submitters: PubMed 41742423 (cited by Ophthalmic Genetics Group, Institute of Molecular and Clinical Ophthalmology Basel and OMIM).

NM_001354969.2(SAXO6):c.2T>C (p.Met1Thr)

Gene: SAXO6 (stabilizer of axonemal microtubules 6; minus strand). Cytogenetic location: 12q15.
Variant type: single nucleotide variant.
Coding change: c.2T>C on transcript NM_001354969.2 (MANE Select); coding-DNA position 2, T replaced by C.
Protein change: p.Met1Thr; changes the start codon (methionine 1).
Molecular consequence: missense variant, initiator codon variant. On other transcripts: 5 prime UTR variant (6).
Genome position (GRCh38, 1-based): chr12:68,332,244, A>G on the plus strand (T>C on the coding strand, the complement: SAXO6 is on the minus strand). VCF-style: chr12-68332244-A-G. GRCh37 (hg19) VCF-style: chr12-68726024-A-G.
Other names: NC_000012.12:g.68332244A>G I NP_001341898.1:p.(Met1?); c.2T>C, p.Met1Thr (NM_001205028.3, NM_001205029.3, NM_017440.6 and 1 more transcripts); c.-241T>C (NM_001354970.2); c.-915T>C (NM_001354971.2); c.-1328T>C (NM_001354972.2); c.-780T>C (NM_001354973.2); c.-474T>C (NM_001354974.2); c.-2189T>C (NM_001368282.1); short protein forms M1T.
Identifiers: ClinVar variation 4813667 (VCV004813667.2).
Genomic context (GRCh38, chr12:68,332,244, plus strand): 5'-TGGCTCCCCCCAGCCACATTCCGGCCCGGGGACCCCAGCCTCACCTTGAAGCGCACCGGC[A>G]TGTCGCCCGGCGCCGGAGCCCCCGCTACTCCGACAGTTAACTGGAGAAAAAGCTCCGAGG-3'
Protein context (NP_001341898.1, residues 1-11): [Met1Thr]PVRFKGLSEY